The following is an entry in ClinVar:

ClinVar aggregate classification (germline): Benign/Likely benign. Review status: criteria provided, multiple submitters, no conflicts (2 of 4 stars). 18 submissions from 15 submitters: Benign (8); Likely benign (4). 6 of the submissions do not count toward it. Last evaluated 2026-09-01.

Conditions:
Dilated cardiomyopathy 1G (CMD1G). Identifiers: Orphanet 154, MedGen C1858763, MONDO:0011400, OMIM 604145.
Autosomal recessive limb-girdle muscular dystrophy type 2J (LGMDR10). Also called: MUSCULAR DYSTROPHY, LIMB-GIRDLE, AUTOSOMAL RECESSIVE 10; Limb-girdle muscular dystrophy, type 2J. Identifiers: Orphanet 140922, MedGen C1837342, MONDO:0012127, OMIM 608807.
Early-onset myopathy with fatal cardiomyopathy (CMYO5). Also called: CONGENITAL MYOPATHY 5 WITH CARDIOMYOPATHY; Salih Myopathy. Identifiers: Orphanet 289377, MedGen C2673677, MONDO:0012714, OMIM 611705. Disease mechanism: loss of function.
Tibial muscular dystrophy (TMD). Also called: Udd Distal Myopathy – Tibial Muscular Dystrophy; UDD MYOPATHY; Tibial muscular dystrophy, tardive. Identifiers: Orphanet 609, MedGen C1838244, MONDO:0010870, OMIM 600334.
Myopathy, myofibrillar, 9, with early respiratory failure (MFM9). Also called: EDSTROM MYOPATHY; Hereditary myopathy with early respiratory failure; MYOPATHY, PROXIMAL, WITH EARLY RESPIRATORY MUSCLE INVOLVEMENT; Myopathy, distal, with early respiratory failure, autosomal dominant. Identifiers: Orphanet 178464, Orphanet 34521, MedGen C1863599, MONDO:0011362, OMIM 603689.

Allele frequency attached by ClinVar (database versions not stated): 1000 Genomes Project 0.00020; 1000 Genomes Project 30x 0.00062; gnomAD 0.00128; TOPMed 0.00133; ExAC 0.00142; ESP Exome Variant Server 0.00174.
gnomAD v4.1: 2,945 of 1,608,628 alleles (0.18%); highest among the groups gnomAD compares: South Asian, 0.25%; 3 homozygotes.

Submissions (18):

CeGaT Center for Human Genetics Tuebingen
Classification: Likely benign. Last evaluated: 2026-09-01. Review status: criteria provided, single submitter. Criteria: CeGaT Center For Human Genetics Tuebingen Variant Classification Criteria Version 2. Collection method: clinical testing. Allele origin: germline. Affected: yes. Observed: 17 variant alleles.
Comment: TTN: BP4, BP7

Labcorp Genetics (formerly Invitae), Labcorp
Classification: Benign for Dilated cardiomyopathy 1G; Autosomal recessive limb-girdle muscular dystrophy type 2J. Last evaluated: 2026-02-03. Review status: criteria provided, single submitter. Criteria: Invitae Variant Classification Sherloc (09022015). Collection method: clinical testing. Allele origin: germline.

Molecular Diagnostic Laboratory for Inherited Cardiovascular Disease, Montreal Heart Institute
Classification: Benign. Last evaluated: 2025-04-09. Review status: criteria provided, single submitter. Criteria: ACMG Guidelines, 2015. Collection method: clinical testing. Allele origin: germline. Affected: no.

Women's Health and Genetics/Laboratory Corporation of America, LabCorp
Classification: Benign. Last evaluated: 2025-01-30. Review status: criteria provided, single submitter. Criteria: LabCorp Variant Classification Summary - May 2015. Collection method: clinical testing. Allele origin: germline.
Comment: Variant summary: TTN c.31484-1039C>T is located at a position not widely known to affect splicing. Consensus agreement among computation tools predict no significant impact on normal splicing. However, these predictions have yet to be confirmed by functional studies. This variant is also known as NM_001267550:c. 36285C>T (p.His12095His). The variant allele was found at a frequency of 0.0013 in 239722 control chromosomes. The observed variant frequency is approximately 3.34 fold of the estimated maximal expected allele frequency for a pathogenic variant in TTN causing Dilated Cardiomyopathy phenotype (0.00039). To our knowledge, no occurrence of c.31484-1039C>T in individuals affected with Dilated Cardiomyopathy and no experimental evidence demonstrating its impact on protein function have been reported. ClinVar contains an entry for this variant (Variation ID: 238752). Based on the evidence outlined above, the variant was classified as benign.

Blueprint Genetics
Classification: Likely benign. Last evaluated: 2024-11-25. Review status: criteria provided, single submitter. Criteria: ACMG Guidelines, 2015. Collection method: clinical testing. Allele origin: germline.

Athena Diagnostics
Classification: Benign. Last evaluated: 2024-06-25. Review status: criteria provided, single submitter. Criteria: Athena Diagnostics Criteria. Collection method: clinical testing. Allele origin: unknown.

ARUP Laboratories, Molecular Genetics and Genomics, ARUP Laboratories
Classification: Likely benign. Last evaluated: 2023-10-14. Review status: criteria provided, single submitter. Criteria: ARUP Molecular Germline Variant Investigation Process 2024. Collection method: clinical testing. Allele origin: germline.

Genome-Nilou Lab
Classification: Benign for Autosomal recessive limb-girdle muscular dystrophy type 2J. Last evaluated: 2021-09-10. Review status: criteria provided, single submitter. Criteria: ACMG Guidelines, 2015. Collection method: clinical testing. Allele origin: germline. Affected: no.

Genome-Nilou Lab
Classification: Benign for Myopathy, myofibrillar, 9, with early respiratory failure. Last evaluated: 2021-09-10. Review status: criteria provided, single submitter. Criteria: ACMG Guidelines, 2015. Collection method: clinical testing. Allele origin: germline. Affected: no.

Genome-Nilou Lab
Classification: Benign for Early-onset myopathy with fatal cardiomyopathy. Last evaluated: 2021-09-10. Review status: criteria provided, single submitter. Criteria: ACMG Guidelines, 2015. Collection method: clinical testing. Allele origin: germline. Affected: no.

Genome-Nilou Lab
Classification: Benign for Tibial muscular dystrophy. Last evaluated: 2021-09-10. Review status: criteria provided, single submitter. Criteria: ACMG Guidelines, 2015. Collection method: clinical testing. Allele origin: germline. Affected: no.

Breakthrough Genomics
Classification: Likely benign. Review status: criteria provided, single submitter. Criteria: ACMG Guidelines, 2015. Collection method: not provided. Allele origin: germline. Inheritance: Autosomal recessive inheritance. Affected: yes.

Clinical Genetics DNA and cytogenetics Diagnostics Lab, Erasmus MC, Erasmus Medical Center
Classification: Likely benign. Review status: no assertion criteria provided. Collection method: clinical testing. Allele origin: germline. Affected: yes. Study: VKGL Data-share Consensus. Not counted in ClinVar's aggregate classification.

Clinical Genetics, Academic Medical Center
Classification: Benign. Review status: no assertion criteria provided. Collection method: clinical testing. Allele origin: germline. Affected: yes. Study: VKGL Data-share Consensus. Not counted in ClinVar's aggregate classification.

Diagnostic Laboratory, Department of Genetics, University Medical Center Groningen
Classification: Likely benign. Review status: no assertion criteria provided. Collection method: clinical testing. Allele origin: germline. Affected: yes. Study: VKGL Data-share Consensus. Not counted in ClinVar's aggregate classification.

Genome Diagnostics Laboratory, University Medical Center Utrecht
Classification: Likely benign. Review status: no assertion criteria provided. Collection method: clinical testing. Allele origin: germline. Affected: yes. Study: VKGL Data-share Consensus. Not counted in ClinVar's aggregate classification.

Joint Genome Diagnostic Labs from Nijmegen and Maastricht, Radboudumc and MUMC+
Classification: Benign. Review status: no assertion criteria provided. Collection method: clinical testing. Allele origin: germline. Affected: yes. Study: VKGL Data-share Consensus. Not counted in ClinVar's aggregate classification.

Laboratory of Diagnostic Genome Analysis, Leiden University Medical Center (LUMC)
Classification: Likely benign. Review status: no assertion criteria provided. Collection method: clinical testing. Allele origin: germline. Affected: yes. Study: VKGL Data-share Consensus. Not counted in ClinVar's aggregate classification.

NM_001267550.2(TTN):c.36285C>T (p.His12095=)

Gene: TTN (titin; minus strand). Cytogenetic location: 2q31.2.
Variant type: single nucleotide variant.
Coding change: c.36285C>T on transcript NM_001267550.2 (MANE Select); coding-DNA position 36285, C replaced by T.
Protein change: p.His12095=; no amino-acid change (histidine 12095 retained).
Molecular consequence: synonymous variant. On other transcripts: intron variant (5).
Genome position (GRCh38, 1-based): chr2:178,664,094, G>A on the plus strand (C>T on the coding strand, the complement: TTN is on the minus strand). VCF-style: chr2-178664094-G-A. GRCh37 (hg19) VCF-style: chr2-179528821-G-A.
Other names: c.13283-21777C>T (NM_003319.4); c.13859-21777C>T (NM_133437.4); c.13658-21777C>T (NM_133432.3); c.31484-1039C>T (NM_133378.4); c.34265-1039C>T (NM_001256850.1); c.36285C>T (NM_001267550.1).
Identifiers: ClinVar variation 238752 (VCV000238752.71), dbSNP rs201184203, ClinGen allele CA1997559.